The following is an entry in ClinVar:

NM_012233.3(RAB3GAP1):c.741A>G (p.Gln247=)

Gene: RAB3GAP1 (RAB3 GTPase activating protein catalytic subunit 1; plus strand). Cytogenetic location: 2q21.3.
Variant type: single nucleotide variant.
Coding change: c.741A>G on transcript NM_012233.3 (MANE Select); coding-DNA position 741, A replaced by G.
Protein change: p.Gln247=; no amino-acid change (glutamine 247 retained).
Molecular consequence: synonymous variant.
Genome position (GRCh38, 1-based): chr2:135,120,911, A>G. VCF-style: chr2-135120911-A-G. GRCh37 (hg19) VCF-style: chr2-135878481-A-G.
Other names: c.741A>G, p.Gln247= (NM_001172435.2).
Identifiers: ClinVar variation 507226 (VCV000507226.4), dbSNP rs1296336356, ClinGen allele CA429078833.

ClinVar aggregate classification (germline): Likely benign. Review status: criteria provided, multiple submitters, no conflicts (2 of 4 stars). 2 submissions from 2 submitters: Likely benign (2). Last evaluated 2023-06-20.

Allele frequency attached by ClinVar (database versions not stated): gnomAD exomes below 0.00001; TOPMed below 0.00001.
gnomAD v4.1: 1 of 1,585,908 alleles (0.000063%); highest among the groups gnomAD compares: East Asian, 0.0022%; no homozygotes.

Submissions (2):

Labcorp Genetics (formerly Invitae), Labcorp
Classification: Likely benign. Last evaluated: 2023-06-20. Review status: criteria provided, single submitter. Criteria: Invitae Variant Classification Sherloc (09022015). Collection method: clinical testing. Allele origin: germline.

GeneDx
Classification: Likely benign. Last evaluated: 2017-02-08. Review status: criteria provided, single submitter. Criteria: GeneDx Variant Classification (06012015). Collection method: clinical testing. Allele origin: germline. Affected: yes.
Comment: This variant is considered likely benign or benign based on one or more of the following criteria: it is a conservative change, it occurs at a poorly conserved position in the protein, it is predicted to be benign by multiple in silico algorithms, and/or has population frequency not consistent with disease.